The following is an entry in ClinVar:

ClinVar aggregate classification (germline): Uncertain significance (1 of 4 stars; one submission).

Allele frequency attached by ClinVar (database versions not stated): gnomAD exomes below 0.00001.
gnomAD v4.1: 1 of 1,614,074 alleles (0.000062%); highest among the groups gnomAD compares: Non-Finnish European, 0.000085%; no homozygotes.

Submission:

Labcorp Genetics (formerly Invitae), Labcorp
Classification: Uncertain significance. Last evaluated: 2022-06-08. Review status: criteria provided, single submitter. Criteria: Invitae Variant Classification Sherloc (09022015). Collection method: clinical testing. Allele origin: germline.
Comment: Algorithms developed to predict the effect of missense changes on protein structure and function output the following: SIFT: "Not Available"; PolyPhen-2: "Benign"; Align-GVGD: "Not Available". The valine amino acid residue is found in multiple mammalian species, which suggests that this missense change does not adversely affect protein function. In summary, the available evidence is currently insufficient to determine the role of this variant in disease. Therefore, it has been classified as a Variant of Uncertain Significance. This variant has not been reported in the literature in individuals affected with SERPINF1-related conditions. This variant is not present in population databases (gnomAD no frequency). This sequence change replaces isoleucine, which is neutral and non-polar, with valine, which is neutral and non-polar, at codon 103 of the SERPINF1 protein (p.Ile103Val).

NM_002615.7(SERPINF1):c.307A>G (p.Ile103Val)

Gene: SERPINF1 (serpin family F member 1; plus strand). Cytogenetic location: 17p13.3.
Variant type: single nucleotide variant.
Coding change: c.307A>G on transcript NM_002615.7 (MANE Select); coding-DNA position 307, A replaced by G.
Protein change: p.Ile103Val; replaces isoleucine 103 with valine.
Molecular consequence: missense variant. On other transcripts: 5 prime UTR variant (1).
Genome position (GRCh38, 1-based): chr17:1,771,052, A>G. VCF-style: chr17-1771052-A-G. GRCh37 (hg19) VCF-style: chr17-1674346-A-G.
Other names: c.307A>G, p.Ile103Val (NM_001329903.2); c.-255A>G (NM_001329904.2); short protein forms I103V.
Identifiers: ClinVar variation 1992805 (VCV001992805.4), dbSNP rs1907692236, ClinGen allele CA397584470.